The following is an entry in ClinVar:

NM_203446.3(SYNJ1):c.-47G>C

Gene: SYNJ1 (synaptojanin 1; minus strand). Cytogenetic location: 21q22.11.
Variant type: single nucleotide variant.
Coding change: c.-47G>C on transcript NM_203446.3 (MANE Select); 47 bases upstream of the start codon, G replaced by C.
Molecular consequence: 5 prime UTR variant. On other transcripts: missense variant (1).
Genome position (GRCh38, 1-based): chr21:32,727,970, C>G on the plus strand (G>C on the coding strand, the complement: SYNJ1 is on the minus strand). VCF-style: chr21-32727970-C-G. GRCh37 (hg19) VCF-style: chr21-34100281-C-G.
Other names: c.71G>C, p.Arg24Thr (NM_003895.4); short protein forms R24T.
Identifiers: ClinVar variation 837456 (VCV000837456.10), dbSNP rs1018405878, ClinGen allele CA319437541.

ClinVar aggregate classification (germline): Uncertain significance. Review status: criteria provided, multiple submitters, no conflicts (2 of 4 stars). 2 submissions from 2 submitters: Uncertain significance (2). Last evaluated 2024-10-15.

Conditions:
Developmental and epileptic encephalopathy, 53. Also called: Epileptic encephalopathy, early infantile, 53. Identifiers: MedGen C4479313, MONDO:0033362, OMIM 617389.
Early-onset Parkinson disease 20. Also called: PARKINSON DISEASE 20, AUTOSOMAL RECESSIVE EARLY-ONSET. Identifiers: Orphanet 391411, MedGen C3809824, MONDO:0014233, OMIM 615530.
Inborn genetic diseases. Identifiers: MedGen C0950123, MeSH D030342.

Allele frequency attached by ClinVar (database versions not stated): gnomAD exomes 0.00002; TOPMed 0.00006; gnomAD 0.00009 and 0.00010.
gnomAD v4.1: 19 of 1,534,770 alleles (0.0012%); highest among the groups gnomAD compares: African/African-American, 0.023%; no homozygotes.

Submissions (2):

Labcorp Genetics (formerly Invitae), Labcorp
Classification: Uncertain significance for Developmental and epileptic encephalopathy, 53; Early-onset Parkinson disease 20. Last evaluated: 2024-10-15. Review status: criteria provided, single submitter. Criteria: Invitae Variant Classification Sherloc (09022015). Collection method: clinical testing. Allele origin: germline.
Comment: This sequence change replaces arginine, which is basic and polar, with threonine, which is neutral and polar, at codon 24 of the SYNJ1 protein (p.Arg24Thr). This variant is present in population databases (no rsID available, gnomAD 0.03%). This variant has not been reported in the literature in individuals affected with SYNJ1-related conditions. ClinVar contains an entry for this variant (Variation ID: 837456). An algorithm developed to predict the effect of missense changes on protein structure and function (PolyPhen-2) suggests that this variant¬¨‚Ä†is likely to be tolerated. In summary, the available evidence is currently insufficient to determine the role of this variant in disease. Therefore, it has been classified as a Variant of Uncertain Significance.

Ambry Genetics
Classification: Uncertain significance for Inborn genetic diseases. Last evaluated: 2021-07-09. Review status: criteria provided, single submitter. Criteria: Ambry Variant Classification Scheme 2023. Collection method: clinical testing. Allele origin: germline.